The following is an entry in ClinVar:

ClinVar aggregate classification (germline): Uncertain significance (1 of 4 stars; one submission).

gnomAD v4.1: 1 of 1,613,832 alleles (0.000062%); highest among the groups gnomAD compares: Non-Finnish European, 0.000085%; no homozygotes.

Submission:

Ambry Genetics
Classification: Uncertain significance. Last evaluated: 2025-11-26. Review status: criteria provided, single submitter. Criteria: Ambry Variant Classification Scheme 2023. Collection method: clinical testing. Allele origin: germline.
Comment: The p.K228R variant (also known as c.683A>G), located in coding exon 6 of the KIF1B gene, results from an A to G substitution at nucleotide position 683. The lysine at codon 228 is replaced by arginine, an amino acid with highly similar properties. This amino acid position is conserved. In addition, this alteration is predicted to be tolerated by in silico analysis. Based on the available evidence, the clinical significance of this variant remains unclear.

NM_001365951.3(KIF1B):c.683A>G (p.Lys228Arg)

Gene: KIF1B (kinesin family member 1B; plus strand). Cytogenetic location: 1p36.22.
Variant type: single nucleotide variant.
Coding change: c.683A>G on transcript NM_001365951.3 (MANE Select); coding-DNA position 683, A replaced by G.
Protein change: p.Lys228Arg; replaces lysine 228 with arginine.
Molecular consequence: missense variant.
Genome position (GRCh38, 1-based): chr1:10,268,226, A>G. VCF-style: chr1-10268226-A-G. GRCh37 (hg19) VCF-style: chr1-10328284-A-G.
Other names: c.683A>G, p.Lys228Arg (NM_001365952.1, NM_001365953.1, NM_015074.3 and 1 more transcripts); short protein forms K228R.
Identifiers: ClinVar variation 4543611 (VCV004543611.1).